The following is an entry in ClinVar:

ClinVar aggregate classification (germline): Uncertain significance (1 of 4 stars; one submission).

Submission:

Greenwood Genetic Center Diagnostic Laboratories, Greenwood Genetic Center
Classification: Uncertain significance. Last evaluated: 2024-05-30. Review status: criteria provided, single submitter. Criteria: ACMG Guidelines, 2015. Collection method: clinical testing. Allele origin: germline. Affected: yes.
Comment: PM2, BP4

NM_013275.6(ANKRD11):c.2512C>G (p.Arg838Gly)

Gene: ANKRD11 (ankyrin repeat domain containing 11; minus strand). Cytogenetic location: 16q24.3.
Variant type: single nucleotide variant.
Coding change: c.2512C>G on transcript NM_013275.6 (MANE Select); coding-DNA position 2512, C replaced by G.
Protein change: p.Arg838Gly; replaces arginine 838 with glycine.
Molecular consequence: missense variant.
Genome position (GRCh38, 1-based): chr16:89,284,030, G>C on the plus strand (C>G on the coding strand, the complement: ANKRD11 is on the minus strand). VCF-style: chr16-89284030-G-C. GRCh37 (hg19) VCF-style: chr16-89350438-G-C.
Other names: c.2512C>G, p.Arg838Gly (NM_001256182.2, NM_001256183.2); short protein forms R838G.
Identifiers: ClinVar variation 3338530 (VCV003338530.1).